The following is an entry in ClinVar:

NM_004855.5(PIGB):c.803C>T (p.Thr268Ile)

Gene: PIGB (phosphatidylinositol glycan anchor biosynthesis class B; plus strand). Cytogenetic location: 15q21.3.
Variant type: single nucleotide variant.
Coding change: c.803C>T on transcript NM_004855.5 (MANE Select); coding-DNA position 803, C replaced by T.
Protein change: p.Thr268Ile; replaces threonine 268 with isoleucine.
Molecular consequence: missense variant.
Genome position (GRCh38, 1-based): chr15:55,339,275, C>T. VCF-style: chr15-55339275-C-T. GRCh37 (hg19) VCF-style: chr15-55631473-C-T.
Other names: short protein forms T268I.
Identifiers: ClinVar variation 4136527 (VCV004136527.2).

ClinVar aggregate classification (germline): Uncertain significance. Review status: criteria provided, multiple submitters, no conflicts (2 of 4 stars). 2 submissions from 2 submitters: Uncertain significance (2). Last evaluated 2026-03-25.

Conditions:
Inborn genetic diseases. Identifiers: MedGen C0950123, MeSH D030342.

gnomAD v4.1: 31 of 1,551,602 alleles (0.002%); highest among the groups gnomAD compares: South Asian, 0.0024%; no homozygotes.

Submissions (2):

GeneDx
Classification: Uncertain significance. Last evaluated: 2026-03-25. Review status: criteria provided, single submitter. Criteria: GeneDx Variant Classification Process June 2021. Collection method: clinical testing. Allele origin: germline.
Comment: Not observed at significant frequency in large population cohorts (gnomAD); In silico analysis suggests that this missense variant does not alter protein structure/function; Has not been previously published as pathogenic or benign to our knowledge

Ambry Genetics
Classification: Uncertain significance for Inborn genetic diseases. Last evaluated: 2025-08-11. Review status: criteria provided, single submitter. Criteria: Ambry Variant Classification Scheme 2023. Collection method: clinical testing. Allele origin: germline.